The following is an entry in ClinVar:

ClinVar aggregate classification (germline): Uncertain significance. Review status: criteria provided, multiple submitters, no conflicts (2 of 4 stars). 2 submissions from 2 submitters: Uncertain significance (2). Last evaluated 2025-11-10.

Allele frequency attached by ClinVar (database versions not stated): TOPMed 0.00005; ExAC 0.00005; gnomAD exomes 0.00001; gnomAD 0.00005.

Submissions (2):

Dasa
Classification: Uncertain significance. Last evaluated: 2025-11-10. Review status: criteria provided, single submitter. Criteria: DASA Assertion Criteria. Collection method: clinical testing. Allele origin: germline.
Comment: NM_014727.3(KMT2B):c.3059-20T>C is an intronic variant. This variant is rare in population databases. Computational prediction algorithms are consistent with a deleterious effect. The currently available literature and clinical evidence are not sufficient to establish a definitive association between this variant and the reported condition. Therefore, this variant is classified as a variant of uncertain significance.

Labcorp Genetics (formerly Invitae), Labcorp
Classification: Uncertain significance. Last evaluated: 2024-12-08. Review status: criteria provided, single submitter. Criteria: Invitae Variant Classification Sherloc (09022015). Collection method: clinical testing. Allele origin: germline.
Comment: This sequence change falls in intron 7 of the KMT2B gene. It does not directly change the encoded amino acid sequence of the KMT2B protein. The frequency data for this variant in the population databases is considered unreliable, as metrics indicate poor data quality at this position in the gnomAD database. This variant has not been reported in the literature in individuals affected with KMT2B-related conditions. ClinVar contains an entry for this variant (Variation ID: 1907155). Algorithms developed to predict the effect of sequence changes on RNA splicing suggest that this variant may create or strengthen a splice site. In summary, the available evidence is currently insufficient to determine the role of this variant in disease. Therefore, it has been classified as a Variant of Uncertain Significance.

NM_014727.3(KMT2B):c.3059-20T>C

Gene: KMT2B (lysine methyltransferase 2B; plus strand). Cytogenetic location: 19q13.12.
Variant type: single nucleotide variant.
Coding change: c.3059-20T>C on transcript NM_014727.3 (MANE Select); 20 bases into the intron before coding-DNA position 3059, T replaced by C.
Molecular consequence: intron variant.
Genome position (GRCh38, 1-based): chr19:35,723,712, T>C. VCF-style: chr19-35723712-T-C. GRCh37 (hg19) VCF-style: chr19-36214614-T-C.
Identifiers: ClinVar variation 1907155 (VCV001907155.6), dbSNP rs745443945, ClinGen allele CA9384642.